The following is an entry in ClinVar:

NM_001374736.1(DST):c.21656T>A (p.Ile7219Asn)

Gene: DST (dystonin; minus strand). Cytogenetic location: 6p12.1.
Variant type: single nucleotide variant.
Coding change: c.21656T>A on transcript NM_001374736.1 (MANE Select); coding-DNA position 21656, T replaced by A.
Protein change: p.Ile7219Asn; replaces isoleucine 7219 with asparagine.
Molecular consequence: missense variant.
Genome position (GRCh38, 1-based): chr6:56,477,364, A>T on the plus strand (T>A on the coding strand, the complement: DST is on the minus strand). VCF-style: chr6-56477364-A-T. GRCh37 (hg19) VCF-style: chr6-56342162-A-T.
Other names: c.15299T>A, p.Ile5100Asn (NM_001144769.5); c.14885T>A, p.Ile4962Asn (NM_001144770.2); c.21656T>A, p.Ile7219Asn (NM_001374722.1); c.20696T>A, p.Ile6899Asn (NM_001374729.1); c.14438T>A, p.Ile4813Asn (NM_001374730.1); c.21683T>A, p.Ile7228Asn (NM_001374734.1); c.14765T>A, p.Ile4922Asn (NM_001386100.1, NM_183380.4); c.13787T>A, p.Ile4596Asn (NM_015548.5); short protein forms I4922N, I5100N, I6899N, I7228N, I4813N, I7219N, I4962N, I4596N.
Identifiers: ClinVar variation 1774568 (VCV001774568.2), dbSNP rs2533591287, ClinGen allele CA364510899.
Genomic context (GRCh38, chr6:56,477,364, plus strand): 5'-AAAGCTATTGCTACTCTGAAGATTATCTGAGACACACTGACCTCCTCAAACCTCGCCCGG[A>T]TGATTGTTATCCAGTGCTTAATGGTAGTGATGGAGTCGGGGTGGCAGATAGCCAAAACGG-3'
Protein context (NP_001361665.1, residues 7209-7229): ITTIKHWITI[Ile7219Asn]RARFEEVLAW

ClinVar aggregate classification (germline): Uncertain significance (1 of 4 stars; one submission).

Conditions:
Inborn genetic diseases. Identifiers: MedGen C0950123, MeSH D030342.

gnomAD v4.1: 31 of 1,613,940 alleles (0.0019%); highest among the groups gnomAD compares: Non-Finnish European, 0.0026%; no homozygotes.

Submission:

Ambry Genetics
Classification: Uncertain significance for Inborn genetic diseases. Last evaluated: 2022-01-06. Review status: criteria provided, single submitter. Criteria: Ambry Variant Classification Scheme 2023. Collection method: clinical testing. Allele origin: germline.
Comment: The p.I5100N variant (also known as c.15299T>A), located in coding exon 85 of the DST gene, results from a T to A substitution at nucleotide position 15299. The isoleucine at codon 5100 is replaced by asparagine, an amino acid with dissimilar properties. This amino acid position is highly conserved in available vertebrate species. In addition, the in silico prediction for this alteration is inconclusive. Since supporting evidence is limited at this time, the clinical significance of this alteration remains unclear.